The following is an entry in ClinVar:

ClinVar aggregate classification (germline): Uncertain significance (1 of 4 stars; one submission).

Conditions:
Neurodevelopmental disorder with progressive spasticity and brain abnormalities. Identifiers: MedGen C6012700, MONDO:0976233, OMIM 621102.

Submission:

3billion
Classification: Uncertain significance for Neurodevelopmental disorder with progressive spasticity and brain abnormalities. Last evaluated: 2025-05-22. Review status: criteria provided, single submitter. Criteria: ACMG Guidelines, 2015. Collection method: clinical testing. Allele origin: germline. Affected: yes.
Comment: The variant is not observed in the gnomAD v4.1.0 dataset. Predicted Consequence/Location: Missense variant In silico tool predictions suggest damaging effect of the variant on gene or gene product [REVEL: 0.79 (>=0.6, sensitivity 0.68 and specificity 0.92)]. Therefore, this variant is classified as VUS according to the recommendation of ACMG/AMP guideline.

NM_021937.5(EEFSEC):c.737T>C (p.Leu246Pro)

Gene: EEFSEC (eukaryotic elongation factor, selenocysteine-tRNA specific; plus strand). Cytogenetic location: 3q21.3.
Variant type: single nucleotide variant.
Coding change: c.737T>C on transcript NM_021937.5 (MANE Select); coding-DNA position 737, T replaced by C.
Protein change: p.Leu246Pro; replaces leucine 246 with proline.
Molecular consequence: missense variant. On other transcripts: intron variant (3).
Genome position (GRCh38, 1-based): chr3:128,264,732, T>C. VCF-style: chr3-128264732-T-C. GRCh37 (hg19) VCF-style: chr3-127983575-T-C.
Other names: c.737T>C, p.Leu246Pro (NM_001437809.1, NM_001437810.1, NM_001437811.1 and 1 more transcripts); c.621+2508T>C (NM_001437812.1, NM_001437815.1, NM_001437813.1); short protein forms L246P.
Identifiers: ClinVar variation 4855262 (VCV004855262.1).